The following is an entry in ClinVar:

ClinVar aggregate classification (germline): Benign. Review status: criteria provided, multiple submitters, no conflicts (2 of 4 stars). 5 submissions from 5 submitters: Benign (4). 1 of the submissions does not count toward it. Last evaluated 2026-01-27.

Conditions:
Connective tissue disorder. Also called: Connective tissue disease. Identifiers: MedGen C0009782, MONDO:0003900.

Allele frequency attached by ClinVar (database versions not stated): gnomAD exomes 0.00073 and 0.00220; ExAC 0.00282; gnomAD 0.00776 and 0.00841; 1000 Genomes Project 0.00795; 1000 Genomes Project 30x 0.00853; ESP Exome Variant Server 0.00871; TOPMed 0.00969.
gnomAD v4.1: 1,728 of 1,210,585 alleles (0.14%); highest among the groups gnomAD compares: African/African-American, 2.6%; 14 homozygotes.

Submissions (5):

Labcorp Genetics (formerly Invitae), Labcorp
Classification: Benign. Last evaluated: 2026-01-27. Review status: criteria provided, single submitter. Criteria: Invitae Variant Classification Sherloc (09022015). Collection method: clinical testing. Allele origin: germline.

Genome Diagnostics Laboratory, The Hospital for Sick Children
Classification: Benign for Connective tissue disorder. Last evaluated: 2021-06-18. Review status: criteria provided, single submitter. Criteria: ACMG Guidelines, 2015. Collection method: clinical testing. Allele origin: germline.

GeneDx
Classification: Benign. Last evaluated: 2019-03-15. Review status: criteria provided, single submitter. Criteria: GeneDx Variant Classification Process June 2021. Collection method: clinical testing. Allele origin: germline. Affected: yes.

Breakthrough Genomics
Classification: Benign. Review status: criteria provided, single submitter. Criteria: ACMG Guidelines, 2015. Collection method: not provided. Allele origin: germline. Inheritance: X-linked inheritance. Affected: yes.

Genetic Services Laboratory, University of Chicago
Classification: Likely benign. Review status: no assertion criteria provided. Collection method: clinical testing. Allele origin: germline. Inheritance: X-linked inheritance. Not counted in ClinVar's aggregate classification.
Comment: Likely benign based on allele frequency in 1000 Genomes Project or ESP global frequency and its presence in a patient with a rare or unrelated disease phenotype. NOT Sanger confirmed

NM_015922.3(NSDHL):c.942C>T (p.Ile314=)

Gene: NSDHL (NAD(P) dependent 3-beta-hydroxysteroid dehydrogenase NSDHL; plus strand). Cytogenetic location: Xq28.
Variant type: single nucleotide variant.
Coding change: c.942C>T on transcript NM_015922.3 (MANE Select); coding-DNA position 942, C replaced by T.
Protein change: p.Ile314=; no amino-acid change (isoleucine 314 retained).
Molecular consequence: synonymous variant.
Genome position (GRCh38, 1-based): chrX:152,868,936, C>T. VCF-style: chrX-152868936-C-T. GRCh37 (hg19) VCF-style: chrX-152037480-C-T.
Other names: c.942C>T, p.Ile314= (NM_001129765.2).
Identifiers: ClinVar variation 159458 (VCV000159458.20), dbSNP rs35375481, ClinGen allele CA172883.